The following is an entry in ClinVar:

NM_031935.3(HMCN1):c.11915C>T (p.Ala3972Val)

Gene: HMCN1 (hemicentin 1; plus strand). Cytogenetic location: 1q31.1.
Variant type: single nucleotide variant.
Coding change: c.11915C>T on transcript NM_031935.3 (MANE Select); coding-DNA position 11915, C replaced by T.
Protein change: p.Ala3972Val; replaces alanine 3972 with valine.
Molecular consequence: missense variant.
Genome position (GRCh38, 1-based): chr1:186,119,257, C>T. VCF-style: chr1-186119257-C-T. GRCh37 (hg19) VCF-style: chr1-186088389-C-T.
Other names: short protein forms A3972V.
Identifiers: ClinVar variation 294236 (VCV000294236.11), dbSNP rs752692827, ClinGen allele CA1294196.
Genomic context (GRCh38, chr1:186,119,257, plus strand): 5'-TTGAAATACTTGCCACCCAATTAAACCATGCTGGAAGATACACTTGTGTCGCTAGGAATG[C>T]GGCTGGCTCTGCACATCGACACGTGACCCTTCATGTTCATGGTATGGAAGGCTATTTACT-3'
Protein context (NP_114141.2, residues 3962-3982): AGRYTCVARN[Ala3972Val]AGSAHRHVTL

ClinVar aggregate classification (germline): Uncertain significance. Review status: criteria provided, multiple submitters, no conflicts (2 of 4 stars). 4 submissions from 4 submitters: Uncertain significance (4). Last evaluated 2025-08-06.

Conditions:
Age related macular degeneration 1 (ARMD1). Also called: MACULOPATHY, AGE-RELATED, 1. Identifiers: MedGen C1864205, MONDO:0011285, OMIM 603075.
HMCN1-related disorder. Also called: HMCN1-related condition.

Allele frequency attached by ClinVar (database versions not stated): ExAC 0.00002; gnomAD exomes 0.00004; TOPMed 0.00006; gnomAD 0.00007 and 0.00008.
gnomAD v4.1: 82 of 1,613,708 alleles (0.0051%); highest among the groups gnomAD compares: Middle Eastern, 0.033%; no homozygotes.

Submissions (4):

PreventionGenetics, part of Exact Sciences
Classification: Uncertain significance for HMCN1-related condition. Last evaluated: 2025-08-06. Review status: criteria provided, single submitter. Criteria: ACMG Guidelines, 2015. Collection method: clinical testing. Allele origin: germline.
Comment: The HMCN1 c.11915C>T variant is predicted to result in the amino acid substitution p.Ala3972Val. To our knowledge, this variant has not been reported in the literature. This variant is reported in 0.0070% of alleles in individuals of European (Non-Finnish) descent in gnomAD. At this time, the clinical significance of this variant is uncertain due to the absence of conclusive functional and genetic evidence.

Labcorp Genetics (formerly Invitae), Labcorp
Classification: Uncertain significance. Last evaluated: 2025-04-11. Review status: criteria provided, single submitter. Criteria: Invitae Variant Classification Sherloc (09022015). Collection method: clinical testing. Allele origin: germline.
Comment: This sequence change replaces alanine, which is neutral and non-polar, with valine, which is neutral and non-polar, at codon 3972 of the HMCN1 protein (p.Ala3972Val). This variant is present in population databases (rs752692827, gnomAD 0.007%). This variant has not been reported in the literature in individuals affected with HMCN1-related conditions. ClinVar contains an entry for this variant (Variation ID: 294236). An algorithm developed to predict the effect of missense changes on protein structure and function (PolyPhen-2) suggests that this variant is likely to be tolerated. In summary, the available evidence is currently insufficient to determine the role of this variant in disease. Therefore, it has been classified as a Variant of Uncertain Significance.

Genome-Nilou Lab
Classification: Uncertain significance for Age related macular degeneration 1. Last evaluated: 2023-04-11. Review status: criteria provided, single submitter. Criteria: ACMG Guidelines, 2015. Collection method: clinical testing. Allele origin: germline. Affected: no.

Illumina Laboratory Services, Illumina
Classification: Uncertain significance for Age related macular degeneration 1. Last evaluated: 2018-01-13. Review status: criteria provided, single submitter. Criteria: ICSL Variant Classification Criteria 13 December 2019. Collection method: clinical testing. Allele origin: germline.